The following is an entry in ClinVar:

GRCh38/hg38 4p15.33-14(chr4:11399082-38137335)

Genes: KCNIP4-IT1 (KCNIP4 intronic transcript 1; minus strand), LAP3 (leucine aminopeptidase 3; plus strand), LCORL (ligand dependent nuclear receptor corepressor like; minus strand), LINC02353 (long independently transcribed non-coding RNA 2353; plus strand), LINC02360 (long independently transcribed non-coding RNA 2360; minus strand) and 397 more. Cytogenetic location: 4p15.33-14.
Variant type: copy number loss.
Identifiers: ClinVar variation 2445987 (VCV002445987.2).

ClinVar aggregate classification (germline): Pathogenic (0 of 4 stars; one submission).

Conditions:
4p partial monosomy syndrome (WHS). Also called: CHROMOSOME 4p16.3 DELETION SYNDROME; PITT SYNDROME; Wolf-Hirschhorn syndrome; WITTWER SYNDROME. Identifiers: Orphanet 280, MedGen C1956097, MONDO:0008684, OMIM 194190.

Submission:

Pediatrics, Sichuan Provincial Hospital For Women And Children
Classification: Pathogenic for 4p partial monosomy syndrome. Review status: no assertion criteria provided. Collection method: provider interpretation. Allele origin: de novo. Affected: yes. Observed: 1 hemizygote.